The following is an entry in ClinVar:

ClinVar aggregate classification (germline): Conflicting classifications of pathogenicity. Review status: criteria provided, conflicting classifications (1 of 4 stars). 9 submissions from 7 submitters: Uncertain significance (7); Likely benign (2). Last evaluated 2026-03-01.

Conditions:
Hereditary spherocytosis type 3. Also called: SPTA1-Related Spherocytosis; Spherocytosis type 3. Identifiers: Orphanet 822, MedGen C2678338, MONDO:0010053, OMIM 270970.
Elliptocytosis 2 (EL2). Also called: ELLIPTOCYTOSIS, RHESUS-UNLINKED TYPE. Identifiers: Orphanet 288, MedGen C1851741, MONDO:0007533, OMIM 130600.
Pyropoikilocytosis, hereditary. Also called: Pyropoikilocytosis. Identifiers: MedGen C0520739, MONDO:0009948, OMIM 266140, HP:0004839. Disease mechanism: loss of function.

Allele frequency attached by ClinVar (database versions not stated): ExAC 0.00005; gnomAD exomes 0.00006 and 0.00008; gnomAD 0.00014; TOPMed 0.00024; 1000 Genomes Project 0.00040; 1000 Genomes Project 30x 0.00047.
gnomAD v4.1: 136 of 1,613,896 alleles (0.0084%); highest among the groups gnomAD compares: African/African-American, 0.04%; no homozygotes.

Submissions (9):

CeGaT Center for Human Genetics Tuebingen
Classification: Uncertain significance. Last evaluated: 2026-03-01. Review status: criteria provided, single submitter. Criteria: CeGaT Center For Human Genetics Tuebingen Variant Classification Criteria Version 2. Collection method: clinical testing. Allele origin: germline. Affected: yes. Observed: 1 variant allele.
Comment: SPTA1: PM2, BP4

ARUP Laboratories, Molecular Genetics and Genomics, ARUP Laboratories
Classification: Uncertain significance. Last evaluated: 2025-05-30. Review status: criteria provided, single submitter. Criteria: ARUP Molecular Germline Variant Investigation Process 2024. Collection method: clinical testing. Allele origin: germline.
Comment: The SPTA1 c.4850G>A; p.Arg1617Gln variant (rs564887323), to our knowledge, is not reported in the medical literature but is reported in ClinVar (Variation ID: 876251). This variant is found in the general population with an overall allele frequency of 0.006% (17/280616 alleles) in the Genome Aggregation Database (v2.1.1). Computational analyses predict that this variant is neutral (REVEL: 0.033). Due to limited information, the clinical significance of this variant is uncertain at this time.

Mayo Clinic Laboratories, Mayo Clinic
Classification: Uncertain significance. Last evaluated: 2025-01-31. Review status: criteria provided, single submitter. Criteria: ACMG Guidelines, 2015. Collection method: clinical testing. Allele origin: germline. Observed: 3 variant alleles.
Comment: BP4_moderate

Revvity Omics, Revvity
Classification: Uncertain significance. Last evaluated: 2024-06-07. Review status: criteria provided, single submitter. Criteria: ACMG Guidelines, 2015. Collection method: clinical testing. Allele origin: germline.

Labcorp Genetics (formerly Invitae), Labcorp
Classification: Likely benign. Last evaluated: 2024-01-29. Review status: criteria provided, single submitter. Criteria: Invitae Variant Classification Sherloc (09022015). Collection method: clinical testing. Allele origin: germline.

Ambry Genetics
Classification: Likely benign. Last evaluated: 2022-12-19. Review status: criteria provided, single submitter. Criteria: Ambry Variant Classification Scheme 2023. Collection method: clinical testing. Allele origin: germline.

Illumina Laboratory Services, Illumina
Classification: Uncertain significance for Elliptocytosis 2. Last evaluated: 2018-01-12. Review status: criteria provided, single submitter. Criteria: ICSL Variant Classification Criteria 13 December 2019. Collection method: clinical testing. Allele origin: germline.

Illumina Laboratory Services, Illumina
Classification: Uncertain significance for Hereditary spherocytosis type 3. Last evaluated: 2018-01-12. Review status: criteria provided, single submitter. Criteria: ICSL Variant Classification Criteria 13 December 2019. Collection method: clinical testing. Allele origin: germline.

Illumina Laboratory Services, Illumina
Classification: Uncertain significance for Pyropoikilocytosis, hereditary. Last evaluated: 2018-01-12. Review status: criteria provided, single submitter. Criteria: ICSL Variant Classification Criteria 13 December 2019. Collection method: clinical testing. Allele origin: germline.

NM_003126.4(SPTA1):c.4850G>A (p.Arg1617Gln)

Gene: SPTA1 (spectrin alpha, erythrocytic 1; minus strand). Cytogenetic location: 1q23.1.
Variant type: single nucleotide variant.
Coding change: c.4850G>A on transcript NM_003126.4 (MANE Select); coding-DNA position 4850, G replaced by A.
Protein change: p.Arg1617Gln; replaces arginine 1617 with glutamine.
Molecular consequence: missense variant.
Genome position (GRCh38, 1-based): chr1:158,639,895, C>T on the plus strand (G>A on the coding strand, the complement: SPTA1 is on the minus strand). VCF-style: chr1-158639895-C-T. GRCh37 (hg19) VCF-style: chr1-158609685-C-T.
Other names: p.Arg1617Gln; short protein forms R1617Q.
Identifiers: ClinVar variation 876251 (VCV000876251.21), dbSNP rs564887323, ClinGen allele CA1182541.